The following is an entry in ClinVar:

NM_144999.4(LRRC45):c.252C>A (p.Ala84=)

Gene: LRRC45 (leucine rich repeat containing 45; plus strand). Cytogenetic location: 17q25.3.
Variant type: single nucleotide variant.
Coding change: c.252C>A on transcript NM_144999.4 (MANE Select); coding-DNA position 252, C replaced by A.
Protein change: p.Ala84=; no amino-acid change (alanine 84 retained).
Molecular consequence: synonymous variant.
Genome position (GRCh38, 1-based): chr17:82,024,309, C>A. VCF-style: chr17-82024309-C-A. GRCh37 (hg19) VCF-style: chr17-79982185-C-A.
Identifiers: ClinVar variation 4991980 (VCV004991980.1).

ClinVar aggregate classification (germline): Likely benign (1 of 4 stars; one submission).

Conditions:
LRRC45-related disorder. Also called: LRRC45-related condition.

Submission:

PreventionGenetics, part of Exact Sciences
Classification: Likely benign for LRRC45-related condition. Last evaluated: 2025-12-31. Review status: criteria provided, single submitter. Criteria: ACMG Guidelines, 2015. Collection method: clinical testing. Allele origin: germline.
Comment: This variant is classified as likely benign based on ACMG/AMP sequence variant interpretation guidelines (Richards et al. 2015 PMID: 25741868, with internal and published modifications).